The following is an entry in ClinVar:

ClinVar aggregate classification (germline): Uncertain significance (1 of 4 stars; one submission).

Conditions:
Congenital contractural arachnodactyly (CCA). Also called: BEALS SYNDROME; Beals-Hecht syndrome; Arthrogryposis, distal, type 9. Identifiers: Orphanet 115, MedGen C0220668, MONDO:0007363, OMIM 121050.

gnomAD v4.1: 3 of 1,604,078 alleles (0.00019%); highest among the groups gnomAD compares: East Asian, 0.0022%; no homozygotes.

Submission:

Labcorp Genetics (formerly Invitae), Labcorp
Classification: Uncertain significance for Congenital contractural arachnodactyly. Last evaluated: 2022-12-06. Review status: criteria provided, single submitter. Criteria: Invitae Variant Classification Sherloc (09022015). Collection method: clinical testing. Allele origin: germline.
Comment: This sequence change replaces histidine, which is basic and polar, with tyrosine, which is neutral and polar, at codon 2565 of the FBN2 protein (p.His2565Tyr). In summary, the available evidence is currently insufficient to determine the role of this variant in disease. Therefore, it has been classified as a Variant of Uncertain Significance. Advanced modeling of protein sequence and biophysical properties (such as structural, functional, and spatial information, amino acid conservation, physicochemical variation, residue mobility, and thermodynamic stability) has been performed at Invitae for this missense variant, however the output from this modeling did not meet the statistical confidence thresholds required to predict the impact of this variant on FBN2 protein function. ClinVar contains an entry for this variant (Variation ID: 1027058). This variant has not been reported in the literature in individuals affected with FBN2-related conditions. This variant is not present in population databases (gnomAD no frequency).

NM_001999.4(FBN2):c.7693C>T (p.His2565Tyr)

Gene: FBN2 (fibrillin 2; minus strand). Cytogenetic location: 5q23.3.
Variant type: single nucleotide variant.
Coding change: c.7693C>T on transcript NM_001999.4 (MANE Select); coding-DNA position 7693, C replaced by T.
Protein change: p.His2565Tyr; replaces histidine 2565 with tyrosine.
Molecular consequence: missense variant.
Genome position (GRCh38, 1-based): chr5:128,274,585, G>A on the plus strand (C>T on the coding strand, the complement: FBN2 is on the minus strand). VCF-style: chr5-128274585-G-A. GRCh37 (hg19) VCF-style: chr5-127610277-G-A.
Other names: short protein forms H2565Y.
Identifiers: ClinVar variation 1027058 (VCV001027058.9), dbSNP rs1765342729, ClinGen allele CA360753033.